The following is an entry in ClinVar:

NM_001330677.2(TBX15):c.1609G>A (p.Ala537Thr)

Gene: TBX15 (T-box transcription factor 15; minus strand). Cytogenetic location: 1p12.
Variant type: single nucleotide variant.
Coding change: c.1609G>A on transcript NM_001330677.2 (MANE Select); coding-DNA position 1609, G replaced by A.
Protein change: p.Ala537Thr; replaces alanine 537 with threonine.
Molecular consequence: missense variant.
Genome position (GRCh38, 1-based): chr1:118,884,932, C>T on the plus strand (G>A on the coding strand, the complement: TBX15 is on the minus strand). VCF-style: chr1-118884932-C-T. GRCh37 (hg19) VCF-style: chr1-119427555-C-T.
Other names: c.1291G>A, p.Ala431Thr (NM_152380.3); short protein forms A431T, A537T.
Identifiers: ClinVar variation 2056128 (VCV002056128.4), dbSNP rs373219471, ClinGen allele CA1034810.
Genomic context (GRCh38, chr1:118,884,932, plus strand): 5'-ACTGCCTCTCTCCAAAGGCCCCGTTGGAAGGAGAAGAACAGAGTAAAGTGCTTTGAGAGG[C>T]GCTCAGTTTTTCCGGGCTTGCAGCTAGCCTAGGGGAAGTGGGGAAATTGTATCCATACAG-3'
Protein context (NP_001317606.1, residues 527-547): RLAASPEKLS[Ala537Thr]SQSTLLCSSP

ClinVar aggregate classification (germline): Uncertain significance. Review status: criteria provided, multiple submitters, no conflicts (2 of 4 stars). 3 submissions from 3 submitters: Uncertain significance (3). Last evaluated 2025-08-28.

Conditions:
Pelviscapular dysplasia. Identifiers: Orphanet 93333, MedGen C1850040, MONDO:0009845, OMIM 260660.
Inborn genetic diseases. Identifiers: MedGen C0950123, MeSH D030342.

Allele frequency attached by ClinVar (database versions not stated): gnomAD 0.00006; ESP Exome Variant Server 0.00008; ExAC 0.00011; TOPMed 0.00012; 1000 Genomes Project 30x 0.00016; 1000 Genomes Project 0.00020.
gnomAD v4.1: 74 of 1,614,122 alleles (0.0046%); highest among the groups gnomAD compares: South Asian, 0.0066%; no homozygotes.

Submissions (3):

Ambry Genetics
Classification: Uncertain significance for Inborn genetic diseases. Last evaluated: 2025-08-28. Review status: criteria provided, single submitter. Criteria: Ambry Variant Classification Scheme 2023. Collection method: clinical testing. Allele origin: germline.

Genome-Nilou Lab
Classification: Uncertain significance for Pelviscapular dysplasia. Last evaluated: 2023-04-11. Review status: criteria provided, single submitter. Criteria: ACMG Guidelines, 2015. Collection method: clinical testing. Allele origin: germline. Affected: no.

Labcorp Genetics (formerly Invitae), Labcorp
Classification: Uncertain significance. Last evaluated: 2022-07-24. Review status: criteria provided, single submitter. Criteria: Invitae Variant Classification Sherloc (09022015). Collection method: clinical testing. Allele origin: germline.
Comment: This sequence change replaces alanine, which is neutral and non-polar, with threonine, which is neutral and polar, at codon 431 of the TBX15 protein (p.Ala431Thr). This variant is present in population databases (rs373219471, gnomAD 0.01%). This variant has not been reported in the literature in individuals affected with TBX15-related conditions. Algorithms developed to predict the effect of missense changes on protein structure and function output the following: SIFT: "Tolerated"; PolyPhen-2: "Benign"; Align-GVGD: "Class C0". The threonine amino acid residue is found in multiple mammalian species, which suggests that this missense change does not adversely affect protein function. In summary, the available evidence is currently insufficient to determine the role of this variant in disease. Therefore, it has been classified as a Variant of Uncertain Significance.